The following is an entry in ClinVar:

NM_001377.3(DYNC2H1):c.9709+1G>A

Gene: DYNC2H1 (dynein cytoplasmic 2 heavy chain 1; plus strand). Cytogenetic location: 11q22.3.
Variant type: single nucleotide variant.
Coding change: c.9709+1G>A on transcript NM_001377.3 (MANE Select); the canonical splice donor site of the intron after coding-DNA position 9709, G replaced by A.
Molecular consequence: splice donor variant.
Genome position (GRCh38, 1-based): chr11:103,235,814, G>A. VCF-style: chr11-103235814-G-A. GRCh37 (hg19) VCF-style: chr11-103106543-G-A.
Other names: c.9709+1G>A (NM_001080463.2).
Identifiers: ClinVar variation 4081642 (VCV004081642.1).
Genomic context (GRCh38, chr11:103,235,814, plus strand): 5'-CTCCTGAATCTCTGAGAAAAACCTGTTTGGAAGAATGGACCAAGTCAGCTGGTCTTGAGA[G>A]TTTGTATTTAGTTATTCCTGATCTTGAGAGTTTGTATTTAGTTATTCCTGAATTTAAAAT-3'

ClinVar aggregate classification (germline): Likely pathogenic (1 of 4 stars; one submission).

Conditions:
Asphyxiating thoracic dystrophy 3. Also called: SHORT-RIB THORACIC DYSPLASIA 3 WITH OR WITHOUT POLYDACTYLY; SHORT-RIB THORACIC DYSPLASIA 3/6 WITH POLYDACTYLY, DIGENIC; POLYDACTYLY WITH NEONATAL CHONDRODYSTROPHY, TYPE I; Short rib polydactyly syndrome 2B; Saldino-Noonan Syndrome. Identifiers: Orphanet 474, Orphanet 93269, Orphanet 93270, Orphanet 93271, MedGen C0036069, MONDO:0013127, OMIM 613091.

Submission:

Myriad Genetics, Inc.
Classification: Likely pathogenic for Asphyxiating thoracic dystrophy 3. Last evaluated: 2025-05-13. Review status: criteria provided, single submitter. Criteria: Myriad Autosomal Dominant, Autosomal Recessive and X-Linked Classification Criteria (2023). Collection method: clinical testing. Allele origin: unknown.
Comment: NM_001377.2(DYNC2H1):c.9709+1G>A is a variant in a canonical splice site classified as likely pathogenic in the context of DYNC2H1-related disorders. c.9709+1G>A has not been observed in cases with relevant disease. Relevant functional assessments of this variant are not available in the literature. c.9709+1G>A has not been observed in referenced population frequency databases. In summary, NM_001377.2(DYNC2H1):c.9709+1G>A is a variant in a canonical splice site in a gene where loss of function is a known mechanism of disease and is predicted to disrupt protein function. Please note: this variant was assessed in the context of healthy population screening.